The following is an entry in ClinVar:

ClinVar aggregate classification (germline): Pathogenic. Review status: criteria provided, multiple submitters, no conflicts (2 of 4 stars). 3 submissions from 3 submitters: Pathogenic (3). Last evaluated 2025-03-09.

Conditions:
Hereditary cancer-predisposing syndrome. Also called: Tumor predisposition; Neoplastic Syndromes, Hereditary; Hereditary neoplastic syndrome; Hereditary Cancer Syndrome. Identifiers: Orphanet 140162, MedGen C0027672, MeSH D009386, MONDO:0015356.
Cardiovascular phenotype. Identifiers: MedGen CN230736.
Neurofibromatosis, type 1 (NF1). Also called: Peripheral type neurofibromatosis; Neurofibromatosis, type I; VON RECKLINGHAUSEN DISEASE; NEUROFIBROMATOSIS, TYPE I, SOMATIC. Identifiers: Orphanet 636, MedGen C0027831, MONDO:0018975, OMIM 162200. Disease mechanism: loss of function.

Submissions (3):

Labcorp Genetics (formerly Invitae), Labcorp
Classification: Pathogenic for Neurofibromatosis, type 1. Last evaluated: 2025-03-09. Review status: criteria provided, single submitter. Criteria: Invitae Variant Classification Sherloc (09022015). Collection method: clinical testing. Allele origin: germline.
Comment: This sequence change creates a premature translational stop signal (p.Lys2435Asnfs*33) in the NF1 gene. It is expected to result in an absent or disrupted protein product. Loss-of-function variants in NF1 are known to be pathogenic (PMID: 10712197, 23913538). This variant is not present in population databases (gnomAD no frequency). This premature translational stop signal has been observed in individual(s) with neurofibromatosis type 1 (PMID: 25074460). ClinVar contains an entry for this variant (Variation ID: 1807296). For these reasons, this variant has been classified as Pathogenic.

Ambry Genetics
Classification: Pathogenic for Cardiovascular phenotype; Hereditary cancer-predisposing syndrome. Last evaluated: 2023-05-03. Review status: criteria provided, single submitter. Criteria: Ambry Variant Classification Scheme 2023. Collection method: clinical testing. Allele origin: germline.
Comment: The c.7305delA pathogenic mutation, located in coding exon 49 of the NF1 gene, results from a deletion of one nucleotide at nucleotide position 7305, causing a translational frameshift with a predicted alternate stop codon (p.K2435Nfs*33). This alteration was identified in a cohort of French patients with a clinical diagnosis of neurofibromatosis type 1 (Pasmant E et al. Eur J Hum Genet, 2015 May;23:596-601). This variant is considered to be rare based on population cohorts in the Genome Aggregation Database (gnomAD). In addition to the clinical data presented in the literature, this alteration is expected to result in loss of function by premature protein truncation or nonsense-mediated mRNA decay. As such, this alteration is interpreted as a disease-causing mutation.

Athena Diagnostics
Classification: Pathogenic. Last evaluated: 2022-03-07. Review status: criteria provided, single submitter. Criteria: Athena Diagnostics Criteria. Collection method: clinical testing. Allele origin: unknown.

Literature cited by the submitters: PubMed 10712197 (cited by Labcorp Genetics (formerly Invitae), Labcorp); PubMed 23913538 (cited by Labcorp Genetics (formerly Invitae), Labcorp); PubMed 25074460 (cited by Labcorp Genetics (formerly Invitae), Labcorp and Athena Diagnostics).

NM_001042492.3(NF1):c.7368del (p.Lys2456fs)

Gene: NF1 (neurofibromin 1; plus strand). Cytogenetic location: 17q11.2.
Variant type: Deletion.
Coding change: c.7368del on transcript NM_001042492.3 (MANE Select); coding-DNA position 7368, one base deleted (A; older notation c.7368delA).
Protein change: p.Lys2456fs; shifts the reading frame from lysine 2456.
Molecular consequence: frameshift variant.
Genome position (GRCh38, 1-based): chr17:31,350,229, A deleted; the last of 4 consecutive A bases (chr17:31,350,226-31,350,229); deleting any one gives the same sequence. VCF-style (leftmost placement, unchanged base first): chr17-31350225-TA-T. GRCh37 (hg19) VCF-style: chr17-29677243-TA-T.
Other names: c.7305delA (NM_000267.3); c.7305delA, p.Lys2435Asnfs (NM_000267.4); short protein forms K2435fs, K2456fs.
Identifiers: ClinVar variation 1807296 (VCV001807296.3), dbSNP rs2508805466, ClinGen allele CA2580093367.